The following is an entry in ClinVar:

NM_006379.5(SEMA3C):c.264+9A>G

Gene: SEMA3C (semaphorin 3C; minus strand). Cytogenetic location: 7q21.11.
Variant type: single nucleotide variant.
Coding change: c.264+9A>G on transcript NM_006379.5 (MANE Select); 9 bases into the intron after coding-DNA position 264, A replaced by G.
Molecular consequence: intron variant.
Genome position (GRCh38, 1-based): chr7:80,828,576, T>C on the plus strand (A>G on the coding strand, the complement: SEMA3C is on the minus strand). VCF-style: chr7-80828576-T-C. GRCh37 (hg19) VCF-style: chr7-80457892-T-C.
Other names: c.318+9A>G (NM_001350120.2); c.90+9A>G (NM_001350121.2).
Identifiers: ClinVar variation 3036223 (VCV003036223.2), dbSNP rs750208003, ClinGen allele CA4316540.

ClinVar aggregate classification (germline): Likely benign (0 of 4 stars; one submission).

Conditions:
SEMA3C-related disorder. Also called: SEMA3C-related condition.

Allele frequency attached by ClinVar (database versions not stated): ExAC 0.00001.
gnomAD v4.1: 31 of 1,596,194 alleles (0.0019%); highest among the groups gnomAD compares: Non-Finnish European, 0.0025%; no homozygotes.

Submission:

PreventionGenetics, part of Exact Sciences
Classification: Likely benign for SEMA3C-related condition. Last evaluated: 2023-11-17. Review status: no assertion criteria provided. Collection method: clinical testing. Allele origin: germline.
Comment: This variant is classified as likely benign based on ACMG/AMP sequence variant interpretation guidelines (Richards et al. 2015 PMID: 25741868, with internal and published modifications).